The following is an entry in ClinVar:

ClinVar aggregate classification (germline): Conflicting classifications of pathogenicity. Review status: criteria provided, conflicting classifications (1 of 4 stars). 5 submissions from 3 submitters: Uncertain significance (3); Likely benign (2). Last evaluated 2023-02-08.

Conditions:
Acute febrile neutrophilic dermatosis (AFND). Also called: Sweet Syndrome; Gomm Button disease. Identifiers: Orphanet 3243, MedGen C0085077, MONDO:0011959, OMIM 608068.
Familial Mediterranean fever (FMF). Also called: POLYSEROSITIS, FAMILIAL PAROXYSMAL; POLYSEROSITIS, RECURRENT; Periodic peritonitis; Benign paroxysmal peritonitis. Identifiers: Orphanet 342, MedGen C0031069, MONDO:0018088, OMIM 249100. Disease mechanism: gain of function.
Familial Mediterranean fever, autosomal dominant. Also called: Dominant Familial Mediterranean Fever; FMF, AUTOSOMAL DOMINANT. Identifiers: Orphanet 342, MedGen C1851347, MONDO:0007601, OMIM 134610.

Allele frequency attached by ClinVar (database versions not stated): gnomAD exomes 0.00001; ExAC 0.00001; TOPMed 0.00002; gnomAD 0.00003 and 0.00004.

Submissions (5):

Genome-Nilou Lab
Classification: Uncertain significance for Familial Mediterranean fever. Last evaluated: 2023-02-08. Review status: criteria provided, single submitter. Criteria: ACMG Guidelines, 2015. Collection method: clinical testing. Allele origin: germline.

Genome-Nilou Lab
Classification: Likely benign for Familial Mediterranean fever, autosomal dominant. Last evaluated: 2023-02-08. Review status: criteria provided, single submitter. Criteria: ACMG Guidelines, 2015. Collection method: clinical testing. Allele origin: germline.

Genome-Nilou Lab
Classification: Likely benign for Acute febrile neutrophilic dermatosis. Last evaluated: 2023-02-08. Review status: criteria provided, single submitter. Criteria: ACMG Guidelines, 2015. Collection method: clinical testing. Allele origin: germline.

Fulgent Genetics
Classification: Uncertain significance for Familial Mediterranean fever, autosomal dominant; Familial Mediterranean fever; Acute febrile neutrophilic dermatosis. Last evaluated: 2021-11-05. Review status: criteria provided, single submitter. Criteria: ACMG Guidelines, 2015. Collection method: clinical testing. Allele origin: unknown.

ARUP Laboratories, Molecular Genetics and Genomics, ARUP Laboratories
Classification: Uncertain significance. Last evaluated: 2019-11-25. Review status: criteria provided, single submitter. Criteria: ARUP Molecular Germline Variant Investigation Process. Collection method: clinical testing. Allele origin: germline.
Comment: The MEFV c.202C>T; p.Gln68* variant (rs768473920), to our knowledge, is not reported in the medical literature or gene specific databases. The variant is reported in the general population with an overall allele frequency of 0.0008% (2/251,116 alleles) in the Genome Aggregation Database. This variant induces an early termination codon and is predicted to result in a truncated protein or mRNA subject to nonsense-mediated decay. However, pathogenic variants in MEFV are thought to be gain-of-function (Maykyan 2016) and this variant is predicted to be loss-of-function. Therefore, the clinical significance of this variant is uncertain. References: Manukyan G and Aminov R. Update on Pyrin Functions and Mechanisms of Familial Mediterranean Fever. Front Microbiol. 2016 Mar 31;7:456.

NM_000243.3(MEFV):c.202C>T (p.Gln68Ter)

Gene: MEFV (MEFV innate immunity regulator, pyrin; minus strand). Cytogenetic location: 16p13.3.
Variant type: single nucleotide variant.
Coding change: c.202C>T on transcript NM_000243.3 (MANE Select); coding-DNA position 202, C replaced by T.
Protein change: p.Gln68Ter; replaces glutamine 68 with a stop codon.
Molecular consequence: nonsense.
Genome position (GRCh38, 1-based): chr16:3,256,386, G>A on the plus strand (C>T on the coding strand, the complement: MEFV is on the minus strand). VCF-style: chr16-3256386-G-A. GRCh37 (hg19) VCF-style: chr16-3306386-G-A.
Other names: c.202C>T, p.Gln68Ter (NM_001198536.2); short protein forms Q68*.
Identifiers: ClinVar variation 994179 (VCV000994179.10), dbSNP rs768473920, ClinGen allele CA7860509.